The following is an entry in ClinVar:

NM_197968.4(ZMYM2):c.1382G>C (p.Gly461Ala)

Gene: ZMYM2 (zinc finger MYM-type containing 2; plus strand). Cytogenetic location: 13q12.11.
Variant type: single nucleotide variant.
Coding change: c.1382G>C on transcript NM_197968.4 (MANE Select); coding-DNA position 1382, G replaced by C.
Protein change: p.Gly461Ala; replaces glycine 461 with alanine.
Molecular consequence: missense variant. On other transcripts: non-coding transcript variant (1).
Genome position (GRCh38, 1-based): chr13:20,006,456, G>C. VCF-style: chr13-20006456-G-C. GRCh37 (hg19) VCF-style: chr13-20580596-G-C.
Other names: c.1382G>C, p.Gly461Ala (NM_001190964.4, NM_001190965.4, NM_001353157.2 and 5 more transcripts); c.1187G>C, p.Gly396Ala (NM_001353161.3); c.1121G>C, p.Gly374Ala (NM_001353163.2); short protein forms G374A, G396A, G461A.
Identifiers: ClinVar variation 4537798 (VCV004537798.1).

ClinVar aggregate classification (germline): Uncertain significance (1 of 4 stars; one submission).

gnomAD v4.1: 1 of 1,612,478 alleles (0.000062%); highest among the groups gnomAD compares: Non-Finnish European, 0.000085%; no homozygotes.

Submission:

GeneDx
Classification: Uncertain significance. Last evaluated: 2025-06-13. Review status: criteria provided, single submitter. Criteria: GeneDx Variant Classification Process June 2021. Collection method: clinical testing. Allele origin: germline. Affected: yes.
Comment: Not observed at significant frequency in large population cohorts (gnomAD); In silico analysis supports that this missense variant has a deleterious effect on protein structure/function; Has not been previously published as pathogenic or benign to our knowledge